The following is an entry in ClinVar:

ClinVar aggregate classification (germline): Benign. Review status: criteria provided, multiple submitters, no conflicts (2 of 4 stars). 4 submissions from 4 submitters: Benign (3). 1 of the submissions does not count toward it. Last evaluated 2019-12-31.

Conditions:
HIP1-related disorder. Also called: HIP1-related condition.

Allele frequency attached by ClinVar (database versions not stated): 1000 Genomes Project 0.00319; ExAC 0.00840; gnomAD 0.00888 and 0.00908; 1000 Genomes Project 30x 0.00344; gnomAD exomes 0.00854 and 0.01180; ESP Exome Variant Server 0.00930; TOPMed 0.00723.
gnomAD v4.1: 18,574 of 1,614,134 alleles (1.2%); highest among the groups gnomAD compares: Non-Finnish European, 1.3%; 137 homozygotes.

Submissions (4):

Labcorp Genetics (formerly Invitae), Labcorp
Classification: Benign. Last evaluated: 2019-12-31. Review status: criteria provided, single submitter. Criteria: Invitae Variant Classification Sherloc (09022015). Collection method: clinical testing. Allele origin: germline.

Genomic Diagnostic Laboratory, Division of Genomic Diagnostics, Children's Hospital of Philadelphia
Classification: Benign. Last evaluated: 2015-02-16. Review status: criteria provided, single submitter. Criteria: DGD Variant Analysis Guidelines. Collection method: clinical testing. Allele origin: unknown.

Breakthrough Genomics
Classification: Benign. Review status: criteria provided, single submitter. Criteria: ACMG Guidelines, 2015. Collection method: not provided. Allele origin: germline. Inheritance: Unknown mechanism. Affected: yes.

PreventionGenetics, part of Exact Sciences
Classification: Benign for HIP1-related condition. Last evaluated: 2019-05-14. Review status: no assertion criteria provided. Collection method: clinical testing. Allele origin: germline. Not counted in ClinVar's aggregate classification.
Comment: This variant is classified as benign based on ACMG/AMP sequence variant interpretation guidelines (Richards et al. 2015 PMID: 25741868, with internal and published modifications).

NM_005338.7(HIP1):c.2245G>A (p.Asp749Asn)

Gene: HIP1 (huntingtin interacting protein 1; minus strand). Cytogenetic location: 7q11.23.
Variant type: single nucleotide variant.
Coding change: c.2245G>A on transcript NM_005338.7 (MANE Select); coding-DNA position 2245, G replaced by A.
Protein change: p.Asp749Asn; replaces aspartic acid 749 with asparagine.
Molecular consequence: missense variant.
Genome position (GRCh38, 1-based): chr7:75,553,503, C>T on the plus strand (G>A on the coding strand, the complement: HIP1 is on the minus strand). VCF-style: chr7-75553503-C-T. GRCh37 (hg19) VCF-style: chr7-75182802-C-T.
Other names: c.2245G>A, p.Asp749Asn (NM_001243198.3); short protein forms D749N.
Identifiers: ClinVar variation 218671 (VCV000218671.8), dbSNP rs117129747, ClinGen allele CA249031.